The following is an entry in ClinVar:

NM_177438.3(DICER1):c.2005C>G (p.Leu669Val)

Gene: DICER1 (dicer 1, ribonuclease III; minus strand). Cytogenetic location: 14q32.13.
Variant type: single nucleotide variant.
Coding change: c.2005C>G on transcript NM_177438.3 (MANE Select); coding-DNA position 2005, C replaced by G.
Protein change: p.Leu669Val; replaces leucine 669 with valine.
Molecular consequence: missense variant. On other transcripts: non-coding transcript variant (6).
Genome position (GRCh38, 1-based): chr14:95,113,127, G>C on the plus strand (C>G on the coding strand, the complement: DICER1 is on the minus strand). VCF-style: chr14-95113127-G-C. GRCh37 (hg19) VCF-style: chr14-95579464-G-C.
Other names: c.2005C>G, p.Leu669Val (NM_001195573.1, NM_001271282.3, NM_001291628.2 and 13 more transcripts); c.1723C>G, p.Leu575Val (NM_001395686.1); c.1600C>G, p.Leu534Val (NM_001395687.1, NM_001395688.1, NM_001395689.1 and 3 more transcripts); c.1438C>G, p.Leu480Val (NM_001395691.1); c.322C>G, p.Leu108Val (NM_001395697.1); short protein forms L108V, L575V, L669V, L534V, L480V.
Identifiers: ClinVar variation 2451699 (VCV002451699.6), dbSNP rs1892126796, ClinGen allele CA390883221.
Genomic context (GRCh38, chr14:95,113,127, plus strand): 5'-CAATCATTTCTTCTTCTAAACTTACAACAATGGAGGCTCGAAGAGGTGAGTTAATTGGCA[G>C]ATAAAGAGTTGAATAAAATGTACCATCAGGCAACTCTCGGGTTCTGCATTTAGGAGCTAG-3'
Protein context (NP_803187.1, residues 659-679): PDGTFYSTLY[Leu669Val]PINSPLRASI

ClinVar aggregate classification (germline): Uncertain significance. Review status: criteria provided, multiple submitters, no conflicts (2 of 4 stars). 3 submissions from 3 submitters: Uncertain significance (3). Last evaluated 2024-01-03.

Conditions:
Hereditary cancer-predisposing syndrome. Also called: Hereditary neoplastic syndrome; Tumor predisposition; Neoplastic Syndromes, Hereditary; Hereditary Cancer Syndrome. Identifiers: Orphanet 140162, MedGen C0027672, MeSH D009386, MONDO:0015356.
DICER1-related tumor predisposition. Also called: DICER1 syndrome; DICER1-related pleuropulmonary blastoma cancer predisposition syndrome. Identifiers: Orphanet 284343, MedGen C3839822, MONDO:0100216.

Submissions (3):

GeneDx
Classification: Uncertain significance. Last evaluated: 2024-01-03. Review status: criteria provided, single submitter. Criteria: GeneDx Variant Classification Process June 2021. Collection method: clinical testing. Allele origin: germline. Affected: yes.
Comment: Not observed at significant frequency in large population cohorts (gnomAD); In silico analysis supports that this missense variant has a deleterious effect on protein structure/function; Has not been previously published as pathogenic or benign to our knowledge

Labcorp Genetics (formerly Invitae), Labcorp
Classification: Uncertain significance for DICER1-related tumor predisposition. Last evaluated: 2023-04-14. Review status: criteria provided, single submitter. Criteria: Invitae Variant Classification Sherloc (09022015). Collection method: clinical testing. Allele origin: germline.
Comment: In summary, the available evidence is currently insufficient to determine the role of this variant in disease. Therefore, it has been classified as a Variant of Uncertain Significance. Advanced modeling of protein sequence and biophysical properties (such as structural, functional, and spatial information, amino acid conservation, physicochemical variation, residue mobility, and thermodynamic stability) performed at Invitae indicates that this missense variant is expected to disrupt DICER1 protein function. This variant has not been reported in the literature in individuals affected with DICER1-related conditions. This variant is not present in population databases (gnomAD no frequency). This sequence change replaces leucine, which is neutral and non-polar, with valine, which is neutral and non-polar, at codon 669 of the DICER1 protein (p.Leu669Val).

Ambry Genetics
Classification: Uncertain significance for Hereditary cancer-predisposing syndrome. Last evaluated: 2022-12-11. Review status: criteria provided, single submitter. Criteria: Ambry Variant Classification Scheme 2023. Collection method: clinical testing. Allele origin: germline.
Comment: The p.L669V variant (also known as c.2005C>G), located in coding exon 11 of the DICER1 gene, results from a C to G substitution at nucleotide position 2005. The leucine at codon 669 is replaced by valine, an amino acid with highly similar properties. This amino acid position is conserved. In addition, this alteration is predicted to be deleterious by in silico analysis. Since supporting evidence is limited at this time, the clinical significance of this alteration remains unclear.